The following is an entry in ClinVar:

ClinVar aggregate classification (germline): Uncertain significance. Review status: criteria provided, multiple submitters, no conflicts (2 of 4 stars). 4 submissions from 4 submitters: Uncertain significance (4). Last evaluated 2026-09-08.

Conditions:
Usher syndrome type 1D (USH1D). Also called: USHER SYNDROME, TYPE ID. Identifiers: Orphanet 231169, Orphanet 886, MedGen C1832845, MONDO:0010984, OMIM 601067.

gnomAD v4.1: 6 of 1,587,934 alleles (0.00038%); highest among the groups gnomAD compares: African/African-American, 0.0067%; no homozygotes.

Submissions (4):

GeneDx
Classification: Uncertain significance. Last evaluated: 2026-09-08. Review status: criteria provided, single submitter. Criteria: GeneDx Variant Classification Process June 2021. Collection method: clinical testing. Allele origin: germline.
Comment: In silico analysis suggests that this missense variant does not alter protein structure/function; This variant is associated with the following publications: (PMID: 33111992, 34515852)

Labcorp Genetics (formerly Invitae), Labcorp
Classification: Uncertain significance. Last evaluated: 2026-02-01. Review status: criteria provided, single submitter. Criteria: Invitae Variant Classification Sherloc (09022015). Collection method: clinical testing. Allele origin: germline.
Comment: This sequence change replaces arginine, which is basic and polar, with proline, which is neutral and non-polar, at codon 724 of the CDH23 protein (p.Arg724Pro). This variant is present in population databases (no rsID available, gnomAD 0.01%). This missense change has been observed in individual(s) with early onset hearing loss (PMID: 33111992). ClinVar contains an entry for this variant (Variation ID: 1310876). Invitae Evidence Modeling of protein sequence and biophysical properties (such as structural, functional, and spatial information, amino acid conservation, physicochemical variation, residue mobility, and thermodynamic stability) has been performed for this missense variant. However, the output from this modeling did not meet the statistical confidence thresholds required to predict the impact of this variant on CDH23 protein function. In summary, the available evidence is currently insufficient to determine the role of this variant in disease. Therefore, it has been classified as a Variant of Uncertain Significance.

CeGaT Center for Human Genetics Tuebingen
Classification: Uncertain significance. Last evaluated: 2025-03-01. Review status: criteria provided, single submitter. Criteria: CeGaT Center For Human Genetics Tuebingen Variant Classification Criteria Version 2. Collection method: clinical testing. Allele origin: germline. Affected: yes. Observed: 1 variant allele.
Comment: CDH23: PM2

Genomic Medicine Center of Excellence, King Faisal Specialist Hospital and Research Centre
Classification: Uncertain significance for Usher syndrome type 1D. Last evaluated: 2024-03-26. Review status: criteria provided, single submitter. Criteria: ACMG Guidelines, 2015. Collection method: clinical testing. Allele origin: germline.

Literature cited by the submitters: PubMed 33111992 (cited by Labcorp Genetics (formerly Invitae), Labcorp).

NM_022124.6(CDH23):c.2171G>C (p.Arg724Pro)

Gene: CDH23 (cadherin related 23; plus strand). Cytogenetic location: 10q22.1.
Variant type: single nucleotide variant.
Coding change: c.2171G>C on transcript NM_022124.6 (MANE Select); coding-DNA position 2171, G replaced by C.
Protein change: p.Arg724Pro; replaces arginine 724 with proline.
Molecular consequence: missense variant.
Genome position (GRCh38, 1-based): chr10:71,690,579, G>C. VCF-style: chr10-71690579-G-C. GRCh37 (hg19) VCF-style: chr10-73450336-G-C.
Other names: c.2171G>C, p.Arg724Pro (NM_001171930.2, NM_001171931.2); short protein forms R724P.
Identifiers: ClinVar variation 1310876 (VCV001310876.32), dbSNP rs374955091, ClinGen allele CA377134477.